The following is an entry in ClinVar:

ClinVar aggregate classification (germline): Uncertain significance (1 of 4 stars; one submission).

Submission:

Labcorp Genetics (formerly Invitae), Labcorp
Classification: Uncertain significance. Last evaluated: 2022-02-07. Review status: criteria provided, single submitter. Criteria: Invitae Variant Classification Sherloc (09022015). Collection method: clinical testing. Allele origin: germline.
Comment: This sequence change replaces arginine, which is basic and polar, with glycine, which is neutral and non-polar, at codon 223 of the NEDD4L protein (p.Arg223Gly). In summary, the available evidence is currently insufficient to determine the role of this variant in disease. Therefore, it has been classified as a Variant of Uncertain Significance. Algorithms developed to predict the effect of missense changes on protein structure and function are either unavailable or do not agree on the potential impact of this missense change (SIFT: "Tolerated"; PolyPhen-2: "Probably Damaging"; Align-GVGD: "Class C0"). This variant has not been reported in the literature in individuals affected with NEDD4L-related conditions. This variant is not present in population databases (gnomAD no frequency).

NM_001144967.3(NEDD4L):c.667A>G (p.Arg223Gly)

Gene: NEDD4L (NEDD4 like E3 ubiquitin protein ligase; plus strand). Cytogenetic location: 18q21.31.
Variant type: single nucleotide variant.
Coding change: c.667A>G on transcript NM_001144967.3 (MANE Select); coding-DNA position 667, A replaced by G.
Protein change: p.Arg223Gly; replaces arginine 223 with glycine.
Molecular consequence: missense variant.
Genome position (GRCh38, 1-based): chr18:58,325,149, A>G. VCF-style: chr18-58325149-A-G. GRCh37 (hg19) VCF-style: chr18-55992381-A-G.
Other names: c.304A>G, p.Arg102Gly (NM_001144964.1, NM_001144965.2, NM_001144966.3 and 2 more transcripts); c.643A>G, p.Arg215Gly (NM_001144968.2, NM_001144969.2); c.667A>G, p.Arg223Gly (NM_001243960.2, NM_015277.6); short protein forms R215G, R223G, R102G.
Identifiers: ClinVar variation 2094346 (VCV002094346.4), dbSNP rs2144410623, ClinGen allele CA402552973.